The following is an entry in ClinVar:

NM_017849.4(TMEM127):c.415C>T (p.Gln139Ter)

Gene: TMEM127 (transmembrane protein 127; minus strand). Cytogenetic location: 2q11.2.
Variant type: single nucleotide variant.
Coding change: c.415C>T on transcript NM_017849.4 (MANE Select); coding-DNA position 415, C replaced by T.
Protein change: p.Gln139Ter; replaces glutamine 139 with a stop codon.
Molecular consequence: nonsense.
Genome position (GRCh38, 1-based): chr2:96,254,110, G>A on the plus strand (C>T on the coding strand, the complement: TMEM127 is on the minus strand). VCF-style: chr2-96254110-G-A. GRCh37 (hg19) VCF-style: chr2-96919848-G-A.
Other names: c.415C>T, p.Gln139Ter (NM_001193304.3); c.163C>T, p.Gln55Ter (NM_001407282.1, NM_001407283.1); short protein forms Q55*, Q139*.
Identifiers: ClinVar variation 2625503 (VCV002625503.16), dbSNP rs2467264375, ClinGen allele CA347653184.

ClinVar aggregate classification (germline): Pathogenic/Likely pathogenic. Review status: criteria provided, multiple submitters, no conflicts (2 of 4 stars). 2 submissions from 2 submitters: Pathogenic (1); Likely pathogenic (1). Last evaluated 2024-10-01.

Conditions:
Hereditary cancer-predisposing syndrome. Also called: Neoplastic Syndromes, Hereditary; Tumor predisposition; Hereditary Cancer Syndrome; Hereditary neoplastic syndrome. Identifiers: Orphanet 140162, MedGen C0027672, MeSH D009386, MONDO:0015356.

Allele frequency attached by ClinVar (database versions not stated): gnomAD exomes below 0.00001.
gnomAD v4.1: 2 of 1,613,884 alleles (0.00012%); highest among the groups gnomAD compares: Non-Finnish European, 0.00017%; no homozygotes.

Submissions (2):

CeGaT Center for Human Genetics Tuebingen
Classification: Likely pathogenic. Last evaluated: 2024-10-01. Review status: criteria provided, single submitter. Criteria: CeGaT Center For Human Genetics Tuebingen Variant Classification Criteria Version 2. Collection method: clinical testing. Allele origin: germline. Affected: yes. Observed: 1 variant allele.
Comment: TMEM127: PVS1:Strong, PM2, PS4:Supporting

Ambry Genetics
Classification: Pathogenic for Hereditary cancer-predisposing syndrome. Last evaluated: 2023-06-16. Review status: criteria provided, single submitter. Criteria: Ambry Variant Classification Scheme 2023. Collection method: clinical testing. Allele origin: germline.
Comment: The p.Q139* pathogenic mutation (also known as c.415C>T), located in coding exon 3 of the TMEM127 gene, results from a C to T substitution at nucleotide position 415. This changes the amino acid from a glutamine to a stop codon within coding exon 3. This alteration occurs at the 3' terminus of theTMEM127 gene, is not expected to trigger nonsense-mediated mRNA decay, and only impacts the last 100 amino acids of the protein. However, premature stop codons are typically deleterious in nature and the impacted region is critical for protein function (Ambry internal data). This alteration has been observed in at least one individual with a personal history that is consistent with TMEM127-related disease (Elston MS et al. Intern Med J, 2013 Apr;43:449-51). This variant is considered to be rare based on population cohorts in the Genome Aggregation Database (gnomAD). Based on the supporting evidence, this alteration is interpreted as a disease-causing mutation.

Literature cited by the submitters: PubMed 23551308 (cited by Ambry Genetics).